The following is an entry in ClinVar:

ClinVar aggregate classification (germline): Uncertain significance. Review status: criteria provided, multiple submitters, no conflicts (2 of 4 stars). 6 submissions from 6 submitters: Uncertain significance (6). Last evaluated 2025-06-17.

Conditions:
Endometrial carcinoma. Also called: Endometrial carcinoma, somatic. Identifiers: MedGen C0476089, MONDO:0002447, OMIM 608089, HP:0012114.
Hereditary cancer-predisposing syndrome. Also called: Hereditary neoplastic syndrome; Hereditary Cancer Syndrome; Tumor predisposition; Neoplastic Syndromes, Hereditary. Identifiers: Orphanet 140162, MedGen C0027672, MeSH D009386, MONDO:0015356.
Familial adenomatous polyposis 4 (FAP4). Also called: MSH3-related attenuated familial adenomatous polyposis. Identifiers: Orphanet 480536, MedGen C4310719, MONDO:0044300, OMIM 617100.

Allele frequency attached by ClinVar (database versions not stated): gnomAD exomes below 0.00001 and 0.00001; ExAC 0.00001; gnomAD 0.00001; TOPMed 0.00002.
gnomAD v4.1: 6 of 1,614,072 alleles (0.00037%); highest among the groups gnomAD compares: African/African-American, 0.0013%; no homozygotes.

Submissions (6):

St. Jude Molecular Pathology, St. Jude Children's Research Hospital
Classification: Uncertain significance for Familial adenomatous polyposis 4. Last evaluated: 2025-06-17. Review status: criteria provided, single submitter. Criteria: St. Jude Assertion Criteria 2020. Collection method: clinical testing. Allele origin: germline.
Comment: The MSH3 c.2776G>A p.(Glu926Lys) missense change has a maximum subpopulation frequency of 0.0009% in gnomAD v2.1.1. The in silico tool REVEL is inconclusive about a pathogenic or benign effect of this variant on protein function, and to our knowledge functional studies have not been performed. To our knowledge, this variant has not been reported in individuals with MSH3-associated polyposis syndrome. In summary, the evidence currently available is insufficient to determine the clinical significance of this variant. It has therefore been classified as of uncertain significance.

Labcorp Genetics (formerly Invitae), Labcorp
Classification: Uncertain significance. Last evaluated: 2025-06-15. Review status: criteria provided, single submitter. Criteria: Invitae Variant Classification Sherloc (09022015). Collection method: clinical testing. Allele origin: germline.
Comment: This sequence change replaces glutamic acid, which is acidic and polar, with lysine, which is basic and polar, at codon 926 of the MSH3 protein (p.Glu926Lys). This variant is present in population databases (rs760629540, gnomAD 0.0009%). This variant has not been reported in the literature in individuals affected with MSH3-related conditions. ClinVar contains an entry for this variant (Variation ID: 640918). An algorithm developed to predict the effect of missense changes on protein structure and function (PolyPhen-2) suggests that this variant is likely to be tolerated. In summary, the available evidence is currently insufficient to determine the role of this variant in disease. Therefore, it has been classified as a Variant of Uncertain Significance.

Ambry Genetics
Classification: Uncertain significance for Hereditary cancer-predisposing syndrome. Last evaluated: 2024-12-16. Review status: criteria provided, single submitter. Criteria: Ambry Variant Classification Scheme 2023. Collection method: clinical testing. Allele origin: germline.
Comment: The p.E926K variant (also known as c.2776G>A), located in coding exon 20 of the MSH3 gene, results from a G to A substitution at nucleotide position 2776. The glutamic acid at codon 926 is replaced by lysine, an amino acid with similar properties. This amino acid position is well conserved in available vertebrate species. In addition, the in silico prediction for this alteration is inconclusive. Based on the available evidence, the clinical significance of this variant remains unclear.

Blueprint Genetics
Classification: Uncertain significance. Last evaluated: 2024-04-05. Review status: criteria provided, single submitter. Criteria: ACMG Guidelines, 2015. Collection method: clinical testing. Allele origin: germline.

Baylor Genetics
Classification: Uncertain significance for Endometrial carcinoma. Last evaluated: 2024-01-23. Review status: criteria provided, single submitter. Criteria: ACMG Guidelines, 2015. Collection method: clinical testing. Allele origin: unknown.

GeneDx
Classification: Uncertain significance. Last evaluated: 2022-05-03. Review status: criteria provided, single submitter. Criteria: GeneDx Variant Classification Process June 2021. Collection method: clinical testing. Allele origin: germline. Affected: yes.
Comment: Not observed at significant frequency in large population cohorts (gnomAD); In silico analysis supports that this missense variant does not alter protein structure/function; Has not been previously published as pathogenic or benign to our knowledge

NM_002439.5(MSH3):c.2776G>A (p.Glu926Lys)

Gene: MSH3 (mutS homolog 3; plus strand). Cytogenetic location: 5q14.1.
Variant type: single nucleotide variant.
Coding change: c.2776G>A on transcript NM_002439.5 (MANE Select); coding-DNA position 2776, G replaced by A.
Protein change: p.Glu926Lys; replaces glutamic acid 926 with lysine.
Molecular consequence: missense variant.
Genome position (GRCh38, 1-based): chr5:80,813,704, G>A. VCF-style: chr5-80813704-G-A. GRCh37 (hg19) VCF-style: chr5-80109523-G-A.
Other names: short protein forms E926K.
Identifiers: ClinVar variation 640918 (VCV000640918.15), dbSNP rs760629540, ClinGen allele CA3328354.